The following is an entry in ClinVar:

NM_000384.3(APOB):c.5275A>G (p.Ile1759Val)

Gene: APOB (apolipoprotein B; minus strand). Cytogenetic location: 2p24.1.
Variant type: single nucleotide variant.
Coding change: c.5275A>G on transcript NM_000384.3 (MANE Select); coding-DNA position 5275, A replaced by G.
Protein change: p.Ile1759Val; replaces isoleucine 1759 with valine.
Molecular consequence: missense variant.
Genome position (GRCh38, 1-based): chr2:21,011,593, T>C on the plus strand (A>G on the coding strand, the complement: APOB is on the minus strand). VCF-style: chr2-21011593-T-C. GRCh37 (hg19) VCF-style: chr2-21234465-T-C.
Other names: short protein forms I1759V.
Identifiers: ClinVar variation 1746527 (VCV001746527.2), dbSNP rs778603296, ClinGen allele CA061881.

ClinVar aggregate classification (germline): Uncertain significance (1 of 4 stars; one submission).

Conditions:
Cardiovascular phenotype. Identifiers: MedGen CN230736.

Allele frequency attached by ClinVar (database versions not stated): TOPMed below 0.00001; ExAC 0.00001; gnomAD 0.00001.
gnomAD v4.1: 1 of 1,614,100 alleles (0.000062%); highest among the groups gnomAD compares: African/African-American, 0.0013%; no homozygotes.

Submission:

Ambry Genetics
Classification: Uncertain significance for Cardiovascular phenotype. Last evaluated: 2022-03-09. Review status: criteria provided, single submitter. Criteria: Ambry Variant Classification Scheme 2023. Collection method: clinical testing. Allele origin: germline.
Comment: The p.I1759V variant (also known as c.5275A>G), located in coding exon 26 of the APOB gene, results from an A to G substitution at nucleotide position 5275. The isoleucine at codon 1759 is replaced by valine, an amino acid with highly similar properties. This amino acid position is conserved. In addition, this alteration is predicted to be tolerated by in silico analysis. Since supporting evidence is limited at this time, the clinical significance of this alteration remains unclear.